The following is an entry in ClinVar:

NM_001148.6(ANK2):c.9866C>T (p.Thr3289Ile)

Gene: ANK2 (ankyrin 2; plus strand). Cytogenetic location: 4q26.
Variant type: single nucleotide variant.
Coding change: c.9866C>T on transcript NM_001148.6 (MANE Select); coding-DNA position 9866, C replaced by T.
Protein change: p.Thr3289Ile; replaces threonine 3289 with isoleucine.
Molecular consequence: missense variant. On other transcripts: intron variant (68).
Genome position (GRCh38, 1-based): chr4:113,358,484, C>T. VCF-style: chr4-113358484-C-T. GRCh37 (hg19) VCF-style: chr4-114279640-C-T.
Other names: c.9632C>T, p.Thr3211Ile (NM_001386142.1); c.6266C>T, p.Thr2089Ile (NM_001386166.1); c.10007C>T, p.Thr3336Ile (NM_001386174.1); c.9983C>T, p.Thr3328Ile (NM_001386175.1); c.4412-2339C>T (NM_001386186.2, NM_001386148.2); c.4214-2339C>T (NM_001354269.3); c.4292-2339C>T (NM_001386187.2); c.4253-2339C>T (NM_001386147.1); and 35 more; short protein forms T2089I, T3211I, T3289I, T3328I, T3336I.
Identifiers: ClinVar variation 4805395 (VCV004805395.1).

ClinVar aggregate classification (germline): Uncertain significance (1 of 4 stars; one submission).

Conditions:
Long QT syndrome (LQTS). Identifiers: MedGen C0023976, MeSH D008133, MONDO:0002442. Disease mechanism: loss of function. Inheritance: Various modes of inheritance.

Submission:

Labcorp Genetics (formerly Invitae), Labcorp
Classification: Uncertain significance for Long QT syndrome. Last evaluated: 2025-11-03. Review status: criteria provided, single submitter. Criteria: Invitae Variant Classification Sherloc (09022015). Collection method: clinical testing. Allele origin: germline.
Comment: This sequence change replaces threonine, which is neutral and polar, with isoleucine, which is neutral and non-polar, at codon 3289 of the ANK2 protein (p.Thr3289Ile). This variant is not present in population databases (gnomAD no frequency). This variant has not been reported in the literature in individuals affected with ANK2-related conditions. An algorithm developed to predict the effect of missense changes on protein structure and function (PolyPhen-2) suggests that this variant is likely to be disruptive. In summary, the available evidence is currently insufficient to determine the role of this variant in disease. Therefore, it has been classified as a Variant of Uncertain Significance.